The following is an entry in ClinVar:

NM_004960.4(FUS):c.1520G>A (p.Gly507Asp)

Gene: FUS (FUS RNA binding protein; plus strand). Cytogenetic location: 16p11.2.
Variant type: single nucleotide variant.
Coding change: c.1520G>A on transcript NM_004960.4 (MANE Select); coding-DNA position 1520, G replaced by A.
Protein change: p.Gly507Asp; replaces glycine 507 with aspartic acid.
Molecular consequence: missense variant. On other transcripts: non-coding transcript variant (1).
Genome position (GRCh38, 1-based): chr16:31,191,089, G>A. VCF-style: chr16-31191089-G-A. GRCh37 (hg19) VCF-style: chr16-31202410-G-A.
Other names: c.1517G>A, p.Gly506Asp (NM_001170634.1); c.1508G>A, p.Gly503Asp (NM_001170937.1); c.1520G>A (NM_004960.3); short protein forms G507D, G506D, G503D.
Identifiers: ClinVar variation 16226 (VCV000016226.7), dbSNP rs267606831, ClinGen allele CA257445.
Genomic context (GRCh38, chr16:31,191,089, plus strand): 5'-GCGGCGGGGACCGTGGAGGCTTCCGAGGGGGCCGGGGTGGTGGGGACAGAGGTGGCTTTG[G>A]CCCTGGCAAGATGGATTCCAGGTAAGACTTTAAATCAGAATAAAAAAGTAGAGCAGTTGA-3'
Protein context (NP_004951.1, residues 497-517): GRGGGDRGGF[Gly507Asp]PGKMDSRGEH

ClinVar aggregate classification (germline): Conflicting classifications of pathogenicity. Review status: criteria provided, conflicting classifications (1 of 4 stars). 4 submissions from 4 submitters: Pathogenic (1); Uncertain significance (2). 1 of the submissions does not count toward it. Last evaluated 2026-03-05.

Conditions:
FUS-related disorder. Also called: FUS-related condition.
Amyotrophic lateral sclerosis type 6. Also called: Amyotrophic lateral sclerosis 6, with or without frontotemporal dementia; FUS-Related Amyotrophic Laterial Sclerosis; AMYOTROPHIC LATERAL SCLEROSIS 6 WITHOUT FRONTOTEMPORAL DEMENTIA. Identifiers: Orphanet 275872, Orphanet 803, MedGen C2931786, MONDO:0011951, OMIM 608030.
Tremor, hereditary essential, 4 (ETM4). Identifiers: MedGen C3539195, MONDO:0013888, OMIM 614782.

Submissions (4):

Mendelics
Classification: Uncertain significance for Amyotrophic lateral sclerosis type 6. Last evaluated: 2026-03-05. Review status: criteria provided, single submitter. Criteria: ACMG Guidelines, 2015. Collection method: clinical testing. Allele origin: unknown.
Comment: The available evidence is insufficient to conclusively determine the role of this variant. Therefore, it is classified as a Variant of Uncertain Significance.

Labcorp Genetics (formerly Invitae), Labcorp
Classification: Uncertain significance for Tremor, hereditary essential, 4; Amyotrophic lateral sclerosis type 6. Last evaluated: 2025-08-03. Review status: criteria provided, single submitter. Criteria: Invitae Variant Classification Sherloc (09022015). Collection method: clinical testing. Allele origin: germline.
Comment: This sequence change replaces glycine, which is neutral and non-polar, with aspartic acid, which is acidic and polar, at codon 507 of the FUS protein (p.Gly507Asp). This variant is not present in population databases (gnomAD no frequency). This missense change has been observed in individual(s) with amyotrophic lateral sclerosis (PMID: 19861302, 20138404, 20385912, 28430856, 31069529). ClinVar contains an entry for this variant (Variation ID: 16226). An algorithm developed to predict the effect of missense changes on protein structure and function (PolyPhen-2) suggests that this variant is likely to be disruptive. Experimental studies are conflicting or provide insufficient evidence to determine the effect of this variant on FUS function (PMID: 23056579). In summary, the available evidence is currently insufficient to determine the role of this variant in disease. Therefore, it has been classified as a Variant of Uncertain Significance.

PreventionGenetics, part of Exact Sciences
Classification: Pathogenic for FUS-related condition. Last evaluated: 2025-03-05. Review status: criteria provided, single submitter. Criteria: ACMG Guidelines, 2015. Collection method: clinical testing. Allele origin: germline.
Comment: The FUS c.1520G>A variant is predicted to result in the amino acid substitution p.Gly507Asp. This variant has previously been reported in multiple, unrelated individuals with amyotrophic lateral sclerosis (ALS, Corrado et al. 2010. PubMed ID: 19861302; Morgan et al. 2017. PubMed ID: 28430856; Hewitt et al. 2010. PubMed ID: 20385912). This variant has not been reported in a large population database (gnomAD), indicating it is rare. This variant is located within the conserved C-terminal region of FUS, where missense change is not expected to be tolerated and is considered a hot spot for ALS-causing variants (Lattante et al. 2013. PubMed ID: 23559573). This variant is interpreted as pathogenic.

OMIM
Classification: Pathogenic for AMYOTROPHIC LATERAL SCLEROSIS 6 WITHOUT FRONTOTEMPORAL DEMENTIA. Last evaluated: 2010-04-01. Review status: no assertion criteria provided. Collection method: literature only. Allele origin: germline. Not counted in ClinVar's aggregate classification.

Literature cited by the submitters: PubMed 19861302 (cited by Labcorp Genetics (formerly Invitae), Labcorp and OMIM); PubMed 20138404 (cited by Labcorp Genetics (formerly Invitae), Labcorp); PubMed 20385912 (cited by Labcorp Genetics (formerly Invitae), Labcorp and OMIM); PubMed 28430856 (cited by Labcorp Genetics (formerly Invitae), Labcorp); PubMed 31069529 (cited by Labcorp Genetics (formerly Invitae), Labcorp); PubMed 23056579 (cited by Labcorp Genetics (formerly Invitae), Labcorp).